The following is an entry in ClinVar:

ClinVar aggregate classification (germline): Conflicting classifications of pathogenicity. Review status: criteria provided, conflicting classifications (1 of 4 stars). 5 submissions from 5 submitters: Uncertain significance (3); VUS-high (1); Likely benign (1). Last evaluated 2026-06-21.

Conditions:
Inborn genetic diseases. Identifiers: MedGen C0950123, MeSH D030342.
Orofaciodigital syndrome type 14. Also called: Orofaciodigital syndrome xiv. Identifiers: Orphanet 434179, MedGen C4706604, MONDO:0014413, OMIM 615948.

Allele frequency attached by ClinVar (database versions not stated): ExAC 0.00015; gnomAD exomes 0.00016 and 0.00019; gnomAD 0.00020 and 0.00021; 1000 Genomes Project 30x 0.00031; ESP Exome Variant Server 0.00031; TOPMed 0.00036; 1000 Genomes Project 0.00040.
gnomAD v4.1: 265 of 1,614,038 alleles (0.016%); highest among the groups gnomAD compares: Admixed American, 0.055%; no homozygotes.

Submissions (5):

Department of Molecular Genetics, Istishari Arab Hospital
Classification: VUS-high for Orofaciodigital syndrome type 14. Last evaluated: 2026-06-21. Review status: criteria provided, single submitter. Criteria: ACMG Guidelines, 2015. Collection method: clinical testing. Allele origin: germline. Inheritance: Autosomal recessive inheritance. Affected: yes.
Comment: The C2CD3 variant c.2663G>A, p.Arg888Gln creates an amino acid change from Arg to Gln at position 888. This variant was observed with very low frequency in the gnomAD v4.1.0 dataset (<0.001). To the best of our knowledge, this variant was not previously reported in the literature. It is classified as a variant of uncertain significance based on the implementation of the ACMG/AMP/ClinGen SVI guidelines.

Labcorp Genetics (formerly Invitae), Labcorp
Classification: Likely benign. Last evaluated: 2025-10-18. Review status: criteria provided, single submitter. Criteria: Invitae Variant Classification Sherloc (09022015). Collection method: clinical testing. Allele origin: germline.

Ambry Genetics
Classification: Uncertain significance for Inborn genetic diseases. Last evaluated: 2024-12-06. Review status: criteria provided, single submitter. Criteria: Ambry Variant Classification Scheme 2023. Collection method: clinical testing. Allele origin: germline.

GeneDx
Classification: Uncertain significance. Last evaluated: 2017-09-14. Review status: criteria provided, single submitter. Criteria: GeneDx Variant Classification (06012015). Collection method: clinical testing. Allele origin: germline. Affected: yes.
Comment: The R888Q variant in the C2CD3 gene has not been reported previously as a pathogenic variant, nor as a benign variant, to our knowledge. The R888Q variant is observed in 3/11558 (0.026%) alleles from individuals of Latino background and in 14/66664 (0.021%) alleles from individuals of non-Finnish European background in the ExAC dataset (Lek et al., 2016). The R888Q variant is a semi-conservative amino acid substitution, which may impact secondary protein structure as these residues differ in some properties. This substitution occurs at a position that is not conserved. In silico analysis is inconsistent in its predictions as to whether or not the variant is damaging to the protein structure/function. We interpret R888Q as a variant of uncertain significance.

Breakthrough Genomics
Classification: Uncertain significance. Review status: criteria provided, single submitter. Criteria: ACMG Guidelines, 2015. Collection method: not provided. Allele origin: germline. Inheritance: Autosomal recessive inheritance. Affected: yes.

NM_001286577.2(C2CD3):c.2663G>A (p.Arg888Gln)

Gene: C2CD3 (C2 domain containing 3 centriole elongation regulator; minus strand). Cytogenetic location: 11q13.4.
Variant type: single nucleotide variant.
Coding change: c.2663G>A on transcript NM_001286577.2 (MANE Select); coding-DNA position 2663, G replaced by A.
Protein change: p.Arg888Gln; replaces arginine 888 with glutamine.
Molecular consequence: missense variant.
Genome position (GRCh38, 1-based): chr11:74,100,594, C>T on the plus strand (G>A on the coding strand, the complement: C2CD3 is on the minus strand). VCF-style: chr11-74100594-C-T. GRCh37 (hg19) VCF-style: chr11-73811639-C-T.
Other names: p.Arg888Gln; c.2663G>A, p.Arg888Gln (NM_015531.6); c.2663G>A (NM_015531.4); short protein forms R888Q.
Identifiers: ClinVar variation 373577 (VCV000373577.12), dbSNP rs143196767, ClinGen allele CA6182596.